The following is an entry in ClinVar:

ClinVar aggregate classification (germline): Uncertain significance (1 of 4 stars; one submission).

Conditions:
Hajdu-Cheney syndrome (HJCYS). Also called: ACROOSTEOLYSIS WITH OSTEOPOROSIS AND CHANGES IN SKULL AND MANDIBLE; SERPENTINE FIBULA-POLYCYSTIC KIDNEY SYNDROME; Acroosteolysis dominant type. Identifiers: Orphanet 955, MedGen C0917715, MONDO:0007057, OMIM 102500.

gnomAD v4.1: 1 of 1,614,060 alleles (0.000062%); highest among the groups gnomAD compares: African/African-American, 0.0013%; no homozygotes.

Submission:

Labcorp Genetics (formerly Invitae), Labcorp
Classification: Uncertain significance for Hajdu-Cheney syndrome. Last evaluated: 2025-05-07. Review status: criteria provided, single submitter. Criteria: Invitae Variant Classification Sherloc (09022015). Collection method: clinical testing. Allele origin: germline.
Comment: This sequence change replaces asparagine, which is neutral and polar, with aspartic acid, which is acidic and polar, at codon 1485 of the NOTCH2 protein (p.Asn1485Asp). This variant is present in population databases (no rsID available, gnomAD 0.006%). This variant has not been reported in the literature in individuals affected with NOTCH2-related conditions. Invitae Evidence Modeling of protein sequence and biophysical properties (such as structural, functional, and spatial information, amino acid conservation, physicochemical variation, residue mobility, and thermodynamic stability) indicates that this missense variant is not expected to disrupt NOTCH2 protein function with a negative predictive value of 80%. In summary, the available evidence is currently insufficient to determine the role of this variant in disease. Therefore, it has been classified as a Variant of Uncertain Significance.

NM_024408.4(NOTCH2):c.4453A>G (p.Asn1485Asp)

Gene: NOTCH2 (notch receptor 2; minus strand). Cytogenetic location: 1p12.
Variant type: single nucleotide variant.
Coding change: c.4453A>G on transcript NM_024408.4 (MANE Select); coding-DNA position 4453, A replaced by G.
Protein change: p.Asn1485Asp; replaces asparagine 1485 with aspartic acid.
Molecular consequence: missense variant.
Genome position (GRCh38, 1-based): chr1:119,925,363, T>C on the plus strand (A>G on the coding strand, the complement: NOTCH2 is on the minus strand). VCF-style: chr1-119925363-T-C. GRCh37 (hg19) VCF-style: chr1-120467986-T-C.
Other names: short protein forms N1485D.
Identifiers: ClinVar variation 4736790 (VCV004736790.1).